The following is an entry in ClinVar:

ClinVar aggregate classification (germline): Uncertain significance. Review status: criteria provided, multiple submitters, no conflicts (2 of 4 stars). 3 submissions from 3 submitters: Uncertain significance (3). Last evaluated 2024-09-06.

Conditions:
Tumor predisposition syndrome 3 (TPDS3). Also called: Melanoma, cutaneous malignant, susceptibility to, 10; Glioma susceptibility 9; LONG TELOMERE SYNDROME, POT1-RELATED; POT1 Tumor Predisposition. Identifiers: Orphanet 618, MedGen C4014476, MONDO:0014368, OMIM 615848.
Hereditary cancer-predisposing syndrome. Also called: Neoplastic Syndromes, Hereditary; Tumor predisposition; Hereditary Cancer Syndrome; Hereditary neoplastic syndrome. Identifiers: Orphanet 140162, MedGen C0027672, MeSH D009386, MONDO:0015356.

Allele frequency attached by ClinVar (database versions not stated): gnomAD exomes below 0.00001; ExAC 0.00001.
gnomAD v4.1: 1 of 1,597,428 alleles (0.000063%); highest among the groups gnomAD compares: Non-Finnish European, 0.000086%; no homozygotes.

Submissions (3):

GeneDx
Classification: Uncertain significance. Last evaluated: 2024-09-06. Review status: criteria provided, single submitter. Criteria: GeneDx Variant Classification Process June 2021. Collection method: clinical testing. Allele origin: germline. Affected: yes.
Comment: Not observed at significant frequency in large population cohorts (gnomAD); In silico analysis indicates that this missense variant does not alter protein structure/function; Has not been previously published as pathogenic or benign to our knowledge; This variant is associated with the following publications: (PMID: 28393830)

Ambry Genetics
Classification: Uncertain significance for Hereditary cancer-predisposing syndrome. Last evaluated: 2024-06-15. Review status: criteria provided, single submitter. Criteria: Ambry Variant Classification Scheme 2023. Collection method: clinical testing. Allele origin: germline.
Comment: The p.D550E variant (also known as c.1650T>A), located in coding exon 13 of the POT1 gene, results from a T to A substitution at nucleotide position 1650. The aspartic acid at codon 550 is replaced by glutamic acid, an amino acid with highly similar properties. This amino acid position is conserved. In addition, the in silico prediction for this alteration is inconclusive. Based on the available evidence, the clinical significance of this variant remains unclear.

Labcorp Genetics (formerly Invitae), Labcorp
Classification: Uncertain significance for Tumor predisposition syndrome 3. Last evaluated: 2022-01-06. Review status: criteria provided, single submitter. Criteria: Invitae Variant Classification Sherloc (09022015). Collection method: clinical testing. Allele origin: germline.
Comment: This sequence change replaces aspartic acid, which is acidic and polar, with glutamic acid, which is acidic and polar, at codon 550 of the POT1 protein (p.Asp550Glu). This variant is present in population databases (rs769115184, gnomAD 0.0009%). This variant has not been reported in the literature in individuals affected with POT1-related conditions. Algorithms developed to predict the effect of missense changes on protein structure and function (SIFT, PolyPhen-2, Align-GVGD) all suggest that this variant is likely to be disruptive. In summary, the available evidence is currently insufficient to determine the role of this variant in disease. Therefore, it has been classified as a Variant of Uncertain Significance. Algorithms developed to predict the effect of sequence changes on RNA splicing suggest that this variant may create or strengthen a splice site.

NM_015450.3(POT1):c.1650T>A (p.Asp550Glu)

Gene: POT1 (protection of telomeres 1; minus strand). Cytogenetic location: 7q31.33.
Variant type: single nucleotide variant.
Coding change: c.1650T>A on transcript NM_015450.3 (MANE Select); coding-DNA position 1650, T replaced by A.
Protein change: p.Asp550Glu; replaces aspartic acid 550 with glutamic acid.
Molecular consequence: missense variant. On other transcripts: non-coding transcript variant (3).
Genome position (GRCh38, 1-based): chr7:124,827,250, A>T on the plus strand (T>A on the coding strand, the complement: POT1 is on the minus strand). VCF-style: chr7-124827250-A-T. GRCh37 (hg19) VCF-style: chr7-124467304-A-T.
Other names: c.1650T>A (NM_015450.2); c.1257T>A, p.Asp419Glu (NM_001042594.2); short protein forms D550E, D419E.
Identifiers: ClinVar variation 2076100 (VCV002076100.6), dbSNP rs769115184, ClinGen allele CA4465026.